The following is an entry in ClinVar:

ClinVar aggregate classification (germline): Uncertain significance (1 of 4 stars; one submission).

Submission:

GeneDx
Classification: Uncertain significance. Last evaluated: 2026-09-17. Review status: criteria provided, single submitter. Criteria: GeneDx Variant Classification Process June 2021. Collection method: clinical testing. Allele origin: germline.
Comment: Not observed at significant frequency in large population cohorts (gnomAD); Frameshift variant predicted to result in protein truncation or nonsense mediated decay in a gene or region of a gene for which loss of function is not a well-established mechanism of disease; Has not been previously published as pathogenic or benign to our knowledge

NM_004977.3(KCNC3):c.404dup (p.Phe136fs)

Gene: KCNC3 (potassium voltage-gated channel subfamily C member 3; minus strand). Cytogenetic location: 19q13.33.
Variant type: Duplication.
Coding change: c.404dup on transcript NM_004977.3 (MANE Select); coding-DNA position 404, one base duplicated (T; older notation c.404dupT).
Protein change: p.Phe136fs; shifts the reading frame from phenylalanine 136.
Molecular consequence: frameshift variant.
Genome position (GRCh38, 1-based): chr19:50,328,679, A duplicated on the plus strand (T on the coding strand, the reverse complement: KCNC3 is on the minus strand); the first of 2 consecutive A bases (chr19:50,328,679-50,328,680); duplicating either gives the same sequence. VCF-style (leftmost placement, unchanged base first): chr19-50328678-G-GA. GRCh37 (hg19) VCF-style: chr19-50831935-G-GA.
Other names: c.176dup, p.Phe60fs (NM_001372305.1); short protein forms F136fs, F60fs.
Identifiers: ClinVar variation 1314281 (VCV001314281.3), dbSNP rs2123546555, ClinGen allele CA2573054816.